The following is an entry in ClinVar:

ClinVar aggregate classification (germline): Conflicting classifications of pathogenicity. Review status: criteria provided, conflicting classifications (1 of 4 stars). 19 submissions from 15 submitters: Uncertain significance (1); Benign (11); Likely benign (7). Last evaluated 2026-02-02.

Conditions:
Cardiovascular phenotype. Identifiers: MedGen CN230736.
Dilated cardiomyopathy 1G (CMD1G). Identifiers: Orphanet 154, MedGen C1858763, MONDO:0011400, OMIM 604145.
Autosomal recessive limb-girdle muscular dystrophy type 2J (LGMDR10). Also called: Limb-girdle muscular dystrophy, type 2J; MUSCULAR DYSTROPHY, LIMB-GIRDLE, AUTOSOMAL RECESSIVE 10. Identifiers: Orphanet 140922, MedGen C1837342, MONDO:0012127, OMIM 608807.
Cardiomyopathy (CMYO). Also called: Cardiomyopathies. Identifiers: Orphanet 167848, MedGen C0878544, MONDO:0004994, HP:0001638. Inheritance: Various modes of inheritance.
Early-onset myopathy with fatal cardiomyopathy (CMYO5). Also called: Salih Myopathy; CONGENITAL MYOPATHY 5 WITH CARDIOMYOPATHY. Identifiers: Orphanet 289377, MedGen C2673677, MONDO:0012714, OMIM 611705. Disease mechanism: loss of function.
Myopathy, myofibrillar, 9, with early respiratory failure (MFM9). Also called: Hereditary myopathy with early respiratory failure; MYOPATHY, PROXIMAL, WITH EARLY RESPIRATORY MUSCLE INVOLVEMENT; Myopathy, distal, with early respiratory failure, autosomal dominant; EDSTROM MYOPATHY. Identifiers: Orphanet 178464, Orphanet 34521, MedGen C1863599, MONDO:0011362, OMIM 603689.
Tibial muscular dystrophy (TMD). Also called: UDD MYOPATHY; Tibial muscular dystrophy, tardive; Udd Distal Myopathy – Tibial Muscular Dystrophy. Identifiers: Orphanet 609, MedGen C1838244, MONDO:0010870, OMIM 600334.
Primary dilated cardiomyopathy (DCM). Also called: Dilated Cardiomyopathy. Identifiers: Orphanet 217604, MedGen C0007193, MeSH D002311, MONDO:0005021, HP:0001644. Inheritance: Various modes of inheritance.

Allele frequency attached by ClinVar (database versions not stated): 1000 Genomes Project 0.00319; gnomAD 0.00245 and 0.00251; 1000 Genomes Project 30x 0.00328; ExAC 0.00095; ESP Exome Variant Server 0.00193; TOPMed 0.00269.
gnomAD v4.1: 796 of 1,604,922 alleles (0.05%); highest among the groups gnomAD compares: African/African-American, 0.84%; 9 homozygotes.

Submissions (19):

Labcorp Genetics (formerly Invitae), Labcorp
Classification: Benign for Dilated cardiomyopathy 1G; Autosomal recessive limb-girdle muscular dystrophy type 2J. Last evaluated: 2026-02-02. Review status: criteria provided, single submitter. Criteria: Invitae Variant Classification Sherloc (09022015). Collection method: clinical testing. Allele origin: germline.

Mayo Clinic Laboratories, Mayo Clinic
Classification: Likely benign. Last evaluated: 2025-09-30. Review status: criteria provided, single submitter. Criteria: ACMG Guidelines, 2015. Collection method: clinical testing. Allele origin: germline. Observed: 8 variant alleles.
Comment: BS1, BP4_moderate

Molecular Diagnostic Laboratory for Inherited Cardiovascular Disease, Montreal Heart Institute
Classification: Likely benign. Last evaluated: 2025-04-09. Review status: criteria provided, single submitter. Criteria: ACMG Guidelines, 2015. Collection method: clinical testing. Allele origin: germline. Affected: no.

CeGaT Center for Human Genetics Tuebingen
Classification: Likely benign. Last evaluated: 2025-01-01. Review status: criteria provided, single submitter. Criteria: CeGaT Center For Human Genetics Tuebingen Variant Classification Criteria Version 2. Collection method: clinical testing. Allele origin: germline. Affected: yes. Observed: 3 variant alleles.
Comment: TTN: PM5, BS2

Blueprint Genetics
Classification: Likely benign. Last evaluated: 2024-10-02. Review status: criteria provided, single submitter. Criteria: ACMG Guidelines, 2015. Collection method: clinical testing. Allele origin: germline.

ARUP Laboratories, Molecular Genetics and Genomics, ARUP Laboratories
Classification: Likely benign. Last evaluated: 2023-11-29. Review status: criteria provided, single submitter. Criteria: ARUP Molecular Germline Variant Investigation Process 2024. Collection method: clinical testing. Allele origin: germline.

CHEO Genetics Diagnostic Laboratory, Children's Hospital of Eastern Ontario
Classification: Benign for Cardiomyopathy. Last evaluated: 2023-06-06. Review status: criteria provided, single submitter. Criteria: ACMG Guidelines, 2015. Collection method: clinical testing. Allele origin: germline.

Women's Health and Genetics/Laboratory Corporation of America, LabCorp
Classification: Benign. Last evaluated: 2021-05-03. Review status: criteria provided, single submitter. Criteria: LabCorp Variant Classification Summary - May 2015. Collection method: clinical testing. Allele origin: germline.
Comment: Variant summary: TTN c.89786T>C (p.Ile29929Thr) results in a non-conservative amino acid change located in the A-band region of the encoded protein sequence. Three of five in-silico tools predict a damaging effect of the variant on protein function. The variant allele was found at a frequency of 0.00059 in 240098 control chromosomes, predominantly at a frequency of 0.0084 within the African or African-American subpopulation in the gnomAD database. The observed variant frequency within African or African-American control individuals in the gnomAD database is approximately 21.5 -fold the estimated maximal expected allele frequency for a pathogenic variant in TTN causing Dilated Cardiomyopathy phenotype (0.00039), strongly suggesting that the variant is a benign polymorphism found primarily in populations of African or African-American origin. Ten clinical diagnostic laboratories have submitted clinical-significance assessments for this variant to ClinVar after 2014 without evidence for independent evaluation, citing the variant as benign/likely benign (n=9) and uncertain significance (n=1). Based on the evidence outlined above, the variant was classified as benign.

Center for Advanced Laboratory Medicine, UC San Diego Health, University of California San Diego
Classification: Benign for Dilated cardiomyopathy. Last evaluated: 2019-05-08. Review status: criteria provided, single submitter. Criteria: ACMG Guidelines, 2015. Collection method: clinical testing. Allele origin: germline. Affected: yes. Observed: 2 variant alleles.

Illumina Laboratory Services, Illumina
Classification: Benign for Tibial muscular dystrophy. Last evaluated: 2018-01-12. Review status: criteria provided, single submitter. Criteria: ICSL Variant Classification Criteria 13 December 2019. Collection method: clinical testing. Allele origin: germline.
Comment: This variant was observed in the ICSL laboratory as part of a predisposition screen in an ostensibly healthy population. It had not been previously curated by ICSL or reported in the Human Gene Mutation Database (HGMD: prior to June 1st, 2018), and was therefore a candidate for classification through an automated scoring system. Utilizing variant allele frequency, disease prevalence and penetrance estimates, and inheritance mode, an automated score was calculated to assess if this variant is too frequent to cause the disease. Based on the score and internal cut-off values, a variant classified as benign is not then subjected to further curation. The score for this variant resulted in a classification of benign for this disease.

Illumina Laboratory Services, Illumina
Classification: Benign for Myopathy, myofibrillar, 9, with early respiratory failure. Last evaluated: 2018-01-12. Review status: criteria provided, single submitter. Criteria: ICSL Variant Classification Criteria 13 December 2019. Collection method: clinical testing. Allele origin: germline.
Comment: the same text as in the submission from Illumina Laboratory Services, Illumina above.

Illumina Laboratory Services, Illumina
Classification: Likely benign for Dilated cardiomyopathy 1G. Last evaluated: 2018-01-12. Review status: criteria provided, single submitter. Criteria: ICSL Variant Classification Criteria 13 December 2019. Collection method: clinical testing. Allele origin: germline.
Comment: This variant was observed in the ICSL laboratory as part of a predisposition screen in an ostensibly healthy population. It had not been previously curated by ICSL or reported in the Human Gene Mutation Database (HGMD: prior to June 1st, 2018), and was therefore a candidate for classification through an automated scoring system. Utilizing variant allele frequency, disease prevalence and penetrance estimates, and inheritance mode, an automated score was calculated to assess if this variant is too frequent to cause the disease. Based on the score and internal cut-off values, a variant classified as likely benign is not then subjected to further curation. The score for this variant resulted in a classification of likely benign for this disease.

Illumina Laboratory Services, Illumina
Classification: Likely benign for Early-onset myopathy with fatal cardiomyopathy. Last evaluated: 2018-01-12. Review status: criteria provided, single submitter. Criteria: ICSL Variant Classification Criteria 13 December 2019. Collection method: clinical testing. Allele origin: germline.
Comment: the same text as in the submission from Illumina Laboratory Services, Illumina above.

Illumina Laboratory Services, Illumina
Classification: Uncertain significance for Autosomal recessive limb-girdle muscular dystrophy type 2J. Last evaluated: 2018-01-12. Review status: criteria provided, single submitter. Criteria: ICSL Variant Classification Criteria 13 December 2019. Collection method: clinical testing. Allele origin: germline.

Athena Diagnostics
Classification: Benign. Last evaluated: 2017-02-13. Review status: criteria provided, single submitter. Criteria: Athena Diagnostics Criteria. Collection method: clinical testing. Allele origin: germline.

Ambry Genetics
Classification: Benign for Cardiovascular phenotype. Last evaluated: 2015-10-23. Review status: criteria provided, single submitter. Criteria: Ambry Variant Classification Scheme 2023. Collection method: clinical testing. Allele origin: germline.

Eurofins Ntd Llc (ga)
Classification: Benign. Last evaluated: 2015-06-09. Review status: criteria provided, single submitter. Criteria: EGL Classification Definitions 2015. Collection method: clinical testing. Allele origin: germline. Observed: 1 variant allele, 1 heterozygote.

GeneDx
Classification: Benign. Last evaluated: 2015-04-08. Review status: criteria provided, single submitter. Criteria: GeneDx Variant Classification (06012015). Collection method: clinical testing. Allele origin: germline. Affected: yes.
Comment: This variant is considered likely benign or benign based on one or more of the following criteria: it is a conservative change, it occurs at a poorly conserved position in the protein, it is predicted to be benign by multiple in silico algorithms, and/or has population frequency not consistent with disease.

Laboratory for Molecular Medicine, Mass General Brigham Personalized Medicine
Classification: Benign. Last evaluated: 2015-04-01. Review status: criteria provided, single submitter. Criteria: LMM Criteria. Collection method: clinical testing. Allele origin: germline. Observed: 5 variant alleles.
Comment: p.Ile29929Thr in exon 298 of TTN: This variant is not expected to have clinical significance because it has been identified in 1.0% (69/6716) of African chromos omes by the Exome Aggregation Consortium (ExAC; dbSNP rs55660660).

Literature cited by the submitters: PubMed 27930701 (cited by Athena Diagnostics).

NM_001267550.2(TTN):c.97490T>C (p.Ile32497Thr)

Genes: TTN (titin; minus strand), TTN-AS1 (TTN antisense RNA 1; plus strand). Cytogenetic location: 2q31.2.
Variant type: single nucleotide variant.
Coding change: c.97490T>C on transcript NM_001267550.2 (MANE Select); coding-DNA position 97490, T replaced by C.
Protein change: p.Ile32497Thr; replaces isoleucine 32497 with threonine.
Molecular consequence: missense variant. On other transcripts: non-coding transcript variant (1).
Genome position (GRCh38, 1-based): chr2:178,542,266, A>G on the plus strand (T>C on the coding strand, the complement: TTN is on the minus strand). VCF-style: chr2-178542266-A-G. GRCh37 (hg19) VCF-style: chr2-179406993-A-G.
Other names: p.I30856T:ATC>ACC; c.92567T>C, p.Ile30856Thr (NM_001256850.1); c.70295T>C, p.Ile23432Thr (NM_003319.4); c.89786T>C, p.Ile29929Thr (NM_133378.4); c.70670T>C, p.Ile23557Thr (NM_133432.3); c.70871T>C, p.Ile23624Thr (NM_133437.4); short protein forms I29929T, I32497T, I30856T, I23432T, I23624T, I23557T.
Identifiers: ClinVar variation 96321 (VCV000096321.65), dbSNP rs55660660, ClinGen allele CA181603.
Genomic context (GRCh38, chr2:178,542,266, plus strand): 5'-TTTTGTTAACATTCAGAATCAGAGGTGGGGAGAGTGGTGGAAGGGCCTGTGGACTTACGG[A>G]TGCTGCTGCGACACTCTATGACCTCAGACTGCAAGTAAGAGCCAATCCCGAAGCGGTTTG-3'
Protein context (NP_001254479.2, residues 32487-32507): QSEVIECRSS[Ile32497Thr]RIPGPPETLQ